The following is an entry in ClinVar:

ClinVar aggregate classification (germline): Uncertain significance. Review status: criteria provided, multiple submitters, no conflicts (2 of 4 stars). 3 submissions from 3 submitters: Uncertain significance (3). Last evaluated 2024-05-02.

Conditions:
Colorectal cancer, hereditary nonpolyposis, type 7. Identifiers: Orphanet 144, MedGen C1858380, MONDO:0013725, OMIM 614385.
Endometrial carcinoma. Also called: Endometrial carcinoma, somatic. Identifiers: MedGen C0476089, MONDO:0002447, OMIM 608089, HP:0012114.
Colorectal cancer. Also called: Malignant Colorectal Neoplasm; Colorectal cancer, somatic. Identifiers: MedGen C0346629, MONDO:0005575, OMIM 114500.

Allele frequency attached by ClinVar (database versions not stated): gnomAD 0.00001.
gnomAD v4.1: 3 of 1,613,952 alleles (0.00019%); highest among the groups gnomAD compares: Non-Finnish European, 0.00025%; no homozygotes.

Submissions (3):

Ambry Genetics
Classification: Uncertain significance. Last evaluated: 2024-05-02. Review status: criteria provided, single submitter. Criteria: Ambry Variant Classification Scheme 2023. Collection method: clinical testing. Allele origin: germline.
Comment: The p.E95K variant (also known as c.283G>A), located in coding exon 1 of the MLH3 gene, results from a G to A substitution at nucleotide position 283. The glutamic acid at codon 95 is replaced by lysine, an amino acid with similar properties. This amino acid position is conserved. In addition, this alteration is predicted to be deleterious by in silico analysis. Since supporting evidence is limited at this time, the clinical significance of this alteration remains unclear.

Labcorp Genetics (formerly Invitae), Labcorp
Classification: Uncertain significance for Colorectal cancer, hereditary nonpolyposis, type 7. Last evaluated: 2024-03-13. Review status: criteria provided, single submitter. Criteria: Invitae Variant Classification Sherloc (09022015). Collection method: clinical testing. Allele origin: germline.
Comment: This sequence change replaces glutamic acid, which is acidic and polar, with lysine, which is basic and polar, at codon 95 of the MLH3 protein (p.Glu95Lys). This variant is present in population databases (no rsID available, gnomAD 0.002%). This variant has not been reported in the literature in individuals affected with MLH3-related conditions. ClinVar contains an entry for this variant (Variation ID: 1796699). An algorithm developed to predict the effect of missense changes on protein structure and function (PolyPhen-2) suggests that this variant is likely to be disruptive. In summary, the available evidence is currently insufficient to determine the role of this variant in disease. Therefore, it has been classified as a Variant of Uncertain Significance.

Fulgent Genetics
Classification: Uncertain significance for Colorectal cancer; Endometrial carcinoma; Colorectal cancer, hereditary nonpolyposis, type 7. Last evaluated: 2024-02-21. Review status: criteria provided, single submitter. Criteria: ACMG Guidelines, 2015. Collection method: clinical testing. Allele origin: germline.

NM_001040108.2(MLH3):c.283G>A (p.Glu95Lys)

Gene: MLH3 (mutL homolog 3; minus strand). Cytogenetic location: 14q24.3.
Variant type: single nucleotide variant.
Coding change: c.283G>A on transcript NM_001040108.2 (MANE Select); coding-DNA position 283, G replaced by A.
Protein change: p.Glu95Lys; replaces glutamic acid 95 with lysine.
Molecular consequence: missense variant.
Genome position (GRCh38, 1-based): chr14:75,049,373, C>T on the plus strand (G>A on the coding strand, the complement: MLH3 is on the minus strand). VCF-style: chr14-75049373-C-T. GRCh37 (hg19) VCF-style: chr14-75516076-C-T.
Other names: c.283G>A, p.Glu95Lys (NM_014381.3); short protein forms E95K.
Identifiers: ClinVar variation 1796699 (VCV001796699.6), dbSNP rs1230387926, ClinGen allele CA390451176.
Genomic context (GRCh38, chr14:75,049,373, plus strand): 5'-TGTTTTTCTTGGACGAAATTTCCACAGCACTGGCCATGTCAGCAATATTTGCCAAGGCCT[C>T]TCCTCGGAAACCATAAAACCTTGGATTCTCCAAGTCCTGTACCGAGTGGCATTTACTGGT-3'
Protein context (NP_001035197.1, residues 85-105): ENPRFYGFRG[Glu95Lys]ALANIADMAS